The following is an entry in ClinVar:

NM_000090.4(COL3A1):c.1305T>G (p.Gly435=)

Gene: COL3A1 (collagen type III alpha 1 chain; plus strand). Cytogenetic location: 2q32.2.
Variant type: single nucleotide variant.
Coding change: c.1305T>G on transcript NM_000090.4 (MANE Select); coding-DNA position 1305, T replaced by G.
Protein change: p.Gly435=; no amino-acid change (glycine 435 retained).
Molecular consequence: synonymous variant.
Genome position (GRCh38, 1-based): chr2:188,994,552, T>G. VCF-style: chr2-188994552-T-G. GRCh37 (hg19) VCF-style: chr2-189859278-T-G.
Identifiers: ClinVar variation 3386447 (VCV003386447.1).

ClinVar aggregate classification (germline): Likely benign (1 of 4 stars; one submission).

Conditions:
Ehlers-Danlos syndrome, type 4 (EDSVASC). Also called: Ehlers-Danlos syndrome vascular type; Ehlers Danlos syndrome, ecchymotic type; Ehlers Danlos syndrome, arterial type; Ehlers Danlos syndrome, Sack-Barabas type; Ehlers-Danlos Syndrome Type IV. Identifiers: Orphanet 286, MedGen C0268338, MONDO:0017314, OMIM 130050.

gnomAD v4.1: 5 of 1,614,158 alleles (0.00031%); highest among the groups gnomAD compares: Non-Finnish European, 0.00042%; no homozygotes.

Submission:

All of Us Research Program, National Institutes of Health
Classification: Likely benign for Ehlers-Danlos syndrome, type 4. Last evaluated: 2024-03-25. Review status: criteria provided, single submitter. Criteria: ACMG Guidelines, 2015. Collection method: clinical testing. Allele origin: germline. Inheritance: Autosomal dominant inheritance. Observed: 1 variant allele, 1 heterozygote.
Comment: This study involves interpretation of variants in research participants for the purpose of population health screening. Participant phenotype was not available at the time of variant classification. Additional details can be found in publication PMID: 35346344, PMCID: PMC8962531